The following is an entry in ClinVar:

NM_015021.3(ZNF292):c.3831A>G (p.Ser1277=)

Gene: ZNF292 (zinc finger protein 292; plus strand). Cytogenetic location: 6q14.3.
Variant type: single nucleotide variant.
Coding change: c.3831A>G on transcript NM_015021.3 (MANE Select); coding-DNA position 3831, A replaced by G.
Protein change: p.Ser1277=; no amino-acid change (serine 1277 retained).
Molecular consequence: synonymous variant.
Genome position (GRCh38, 1-based): chr6:87,257,460, A>G. VCF-style: chr6-87257460-A-G. GRCh37 (hg19) VCF-style: chr6-87967178-A-G.
Other names: c.3411A>G, p.Ser1137= (NM_001351444.2).
Identifiers: ClinVar variation 3373635 (VCV003373635.1).
Genomic context (GRCh38, chr6:87,257,460, plus strand): 5'-TGGCTCAGATCCTTTCCTTCCTTTACCTGCAGAAAGTAGTTCAATGTCTCTCTTCCCTTC[A>G]CCAGCAGATAGTGGGACTAATTCTGTTTTTTCCCAACTGGAAAATAATACAAATCATTAT-3'
Protein context (NP_055836.1, residues 1267-1287): AESSSMSLFP[Ser1277=]PADSGTNSVF

ClinVar aggregate classification (germline): Uncertain significance (1 of 4 stars; one submission).

gnomAD v4.1: 1 of 1,613,258 alleles (0.000062%); highest among the groups gnomAD compares: Non-Finnish European, 0.000085%; no homozygotes.

Submission:

GeneDx
Classification: Uncertain significance. Last evaluated: 2024-03-13. Review status: criteria provided, single submitter. Criteria: GeneDx Variant Classification Process June 2021. Collection method: clinical testing. Allele origin: germline. Affected: yes.
Comment: Not observed at significant frequency in large population cohorts (gnomAD); In silico analysis supports that this variant does not alter splicing; Has not been previously published as pathogenic or benign to our knowledge